The following is an entry in ClinVar:

ClinVar aggregate classification (germline): Uncertain significance (1 of 4 stars; one submission).

Conditions:
Muscular dystrophy-dystroglycanopathy (congenital with impaired intellectual development), type B, 14. Also called: Congenital muscular dystrophy-dystroglycanopathy with mental retardation, type B14; Muscular dystrophy-dystroglycanopathy (congenital with intellectual disability), type B14; MUSCULAR DYSTROPHY, CONGENITAL, GMPPB-RELATED. Identifiers: MedGen C3809221, MONDO:0014141, OMIM 615351.
Autosomal recessive limb-girdle muscular dystrophy type 2T. Also called: Limb-girdle muscular dystrophy-dystroglycanopathy, type C14; MUSCULAR DYSTROPHY-DYSTROGLYCANOPATHY, LIMB-GIRDLE, GMPPB-RELATED; MUSCULAR DYSTROPHY, LIMB-GIRDLE, TYPE 2T; Muscular dystrophy-dystroglycanopathy (limb-girdle), type c, 14. Identifiers: Orphanet 363623, MedGen C4518000, MONDO:0014142, OMIM 615352.
Muscular dystrophy-dystroglycanopathy (congenital with brain and eye anomalies), type A14. Also called: Congenital muscular dystrophy-dystroglycanopathy with brain and eye anomalies, type A14; WALKER-WARBURG SYNDROME OR MUSCLE-EYE-BRAIN DISEASE, GMPPB-RELATED; Muscular dystrophy-dystroglycanopathy (congenital with brain and eye anomalies), type a, 14; Congenital Muscular Dystrophy-Dystroglycanopathy with Brain and Eye Anomalies Type A 14. Identifiers: Orphanet 588, MedGen C3809216, MONDO:0014140, OMIM 615350.

Allele frequency attached by ClinVar (database versions not stated): gnomAD 0.00001; TOPMed below 0.00001.

Submission:

Labcorp Genetics (formerly Invitae), Labcorp
Classification: Uncertain significance for Autosomal recessive limb-girdle muscular dystrophy type 2T; Muscular dystrophy-dystroglycanopathy (congenital with brain and eye anomalies), type A14; Muscular dystrophy-dystroglycanopathy (congenital with impaired intellectual development), type B, 14. Last evaluated: 2021-12-03. Review status: criteria provided, single submitter. Criteria: Invitae Variant Classification Sherloc (09022015). Collection method: clinical testing. Allele origin: germline.
Comment: This sequence change replaces glutamic acid, which is acidic and polar, with lysine, which is basic and polar, at codon 304 of the GMPPB protein (p.Glu304Lys). This variant is not present in population databases (gnomAD no frequency). This variant has not been reported in the literature in individuals affected with GMPPB-related conditions. Algorithms developed to predict the effect of missense changes on protein structure and function (SIFT, PolyPhen-2, Align-GVGD) all suggest that this variant is likely to be tolerated. In summary, the available evidence is currently insufficient to determine the role of this variant in disease. Therefore, it has been classified as a Variant of Uncertain Significance.

NM_021971.4(GMPPB):c.910G>A (p.Glu304Lys)

Gene: GMPPB (GDP-mannose pyrophosphorylase B; minus strand). Cytogenetic location: 3p21.31.
Variant type: single nucleotide variant.
Coding change: c.910G>A on transcript NM_021971.4 (MANE Select); coding-DNA position 910, G replaced by A.
Protein change: p.Glu304Lys; replaces glutamic acid 304 with lysine.
Molecular consequence: missense variant.
Genome position (GRCh38, 1-based): chr3:49,722,006, C>T on the plus strand (G>A on the coding strand, the complement: GMPPB is on the minus strand). VCF-style: chr3-49722006-C-T. GRCh37 (hg19) VCF-style: chr3-49759439-C-T.
Other names: c.910G>A, p.Glu304Lys (NM_013334.4); short protein forms E304K.
Identifiers: ClinVar variation 1349947 (VCV001349947.3), dbSNP rs762995747, ClinGen allele CA352826955.